The following is an entry in ClinVar:

NM_006361.6(HOXB13):c.399T>A (p.Tyr133Ter)

Gene: HOXB13 (homeobox B13; minus strand). Cytogenetic location: 17q21.32.
Variant type: single nucleotide variant.
Coding change: c.399T>A on transcript NM_006361.6 (MANE Select); coding-DNA position 399, T replaced by A.
Protein change: p.Tyr133Ter; replaces tyrosine 133 with a stop codon.
Molecular consequence: nonsense.
Genome position (GRCh38, 1-based): chr17:48,728,195, A>T on the plus strand (T>A on the coding strand, the complement: HOXB13 is on the minus strand). VCF-style: chr17-48728195-A-T. GRCh37 (hg19) VCF-style: chr17-46805557-A-T.
Other names: c.399T>A (NM_006361.5); short protein forms Y133*.
Identifiers: ClinVar variation 1381931 (VCV001381931.7), dbSNP rs2143072346, ClinGen allele CA400107536.

ClinVar aggregate classification (germline): Uncertain significance. Review status: criteria provided, multiple submitters, no conflicts (2 of 4 stars). 2 submissions from 2 submitters: Uncertain significance (2). Last evaluated 2025-05-12.

Submissions (2):

GeneDx
Classification: Uncertain significance. Last evaluated: 2025-05-12. Review status: criteria provided, single submitter. Criteria: GeneDx Variant Classification Process June 2021. Collection method: clinical testing. Allele origin: germline. Affected: yes.
Comment: Not observed at significant frequency in large population cohorts (gnomAD); Has not been previously published as pathogenic or benign to our knowledge; Nonsense variant predicted to result in protein truncation or nonsense mediated decay in a gene for which loss-of-function is not a known mechanism of disease

Labcorp Genetics (formerly Invitae), Labcorp
Classification: Uncertain significance. Last evaluated: 2024-05-21. Review status: criteria provided, single submitter. Criteria: Invitae Variant Classification Sherloc (09022015). Collection method: clinical testing. Allele origin: germline.
Comment: This sequence change creates a premature translational stop signal (p.Tyr133*) in the HOXB13 gene. It is expected to result in an absent or disrupted protein product. However, the current clinical and genetic evidence is not sufficient to establish whether loss-of-function variants in HOXB13 cause disease. This variant is not present in population databases (gnomAD no frequency). This variant has not been reported in the literature in individuals affected with HOXB13-related conditions. ClinVar contains an entry for this variant (Variation ID: 1381931). In summary, the available evidence is currently insufficient to determine the role of this variant in disease. Therefore, it has been classified as a Variant of Uncertain Significance.